The following is an entry in ClinVar:

ClinVar aggregate classification (germline): Uncertain significance (1 of 4 stars; one submission).

gnomAD v4.1: 1 of 1,614,096 alleles (0.000062%); highest among the groups gnomAD compares: Non-Finnish European, 0.000085%; no homozygotes.

Submission:

Women's Health and Genetics/Laboratory Corporation of America, LabCorp
Classification: Uncertain significance. Last evaluated: 2024-08-21. Review status: criteria provided, single submitter. Criteria: LabCorp Variant Classification Summary - May 2015. Collection method: clinical testing. Allele origin: germline.
Comment: Variant summary: COG7 c.2302G>T (p.Val768Leu) results in a conservative amino acid change in the encoded protein sequence. Five of five in-silico tools predict a benign effect of the variant on protein function. The variant was absent in 251236 control chromosomes. The available data on variant occurrences in the general population are insufficient to allow any conclusion about variant significance. To our knowledge, no occurrence of c.2302G>T in individuals affected with COG7 Congenital Disorder Of Glycosylation and no experimental evidence demonstrating its impact on protein function have been reported. No submitters have cited clinical-significance assessments for this variant to ClinVar. Based on the evidence outlined above, the variant was classified as uncertain significance.

NM_153603.4(COG7):c.2302G>T (p.Val768Leu)

Gene: COG7 (component of oligomeric golgi complex 7; minus strand). Cytogenetic location: 16p12.2.
Variant type: single nucleotide variant.
Coding change: c.2302G>T on transcript NM_153603.4 (MANE Select); coding-DNA position 2302, G replaced by T.
Protein change: p.Val768Leu; replaces valine 768 with leucine.
Molecular consequence: missense variant.
Genome position (GRCh38, 1-based): chr16:23,388,931, C>A on the plus strand (G>T on the coding strand, the complement: COG7 is on the minus strand). VCF-style: chr16-23388931-C-A. GRCh37 (hg19) VCF-style: chr16-23400252-C-A.
Other names: short protein forms V768L.
Identifiers: ClinVar variation 3366676 (VCV003366676.1).